The following is an entry in ClinVar:

NM_031443.4(CCM2):c.30+5_30+6delinsTT

Genes: CCM2 (CCM2 scaffold protein; plus strand), LOC129998395 (ATAC-STARR-seq lymphoblastoid silent region 18162; plus strand). Cytogenetic location: 7p13.
Variant type: Indel.
Coding change: c.30+5_30+6delinsTT on transcript NM_031443.4 (MANE Select); bases 5 to 6 of the intron after coding-DNA position 30, GC replaced by TT.
Molecular consequence: intron variant.
Genome position (GRCh38, 1-based): chr7:45,000,368-45,000,369, GC replaced by TT. VCF-style: chr7-45000368-GC-TT. GRCh37 (hg19) VCF-style: chr7-45039967-GC-TT.
Other names: c.30+5_30+6delGCinsTT (NM_031443.3); c.30+5_30+6delinsTT (NM_001363458.2, NM_001167935.2, NM_001363459.2 and 1 more transcripts).
Identifiers: ClinVar variation 193463 (VCV000193463.31), dbSNP rs797044623, ClinGen allele CA274922.
Genomic context (GRCh38, chr7:45,000,368, plus strand): 5'-GGGCCGCGGGAGCCGCACGCGGCGATATGGAAGAGGAGGGCAAGAAGGGCAAGAAGGTGA[GC>TT]GTGCGCGGGGGCGTCCTACTGCTGTGGTCGGCGGGCGGCTGGGTTGAGGGGCCAGGGTGG-3'

ClinVar aggregate classification (germline): Pathogenic/Likely pathogenic. Review status: criteria provided, multiple submitters, no conflicts (2 of 4 stars). 8 submissions from 8 submitters: Pathogenic (5); Likely pathogenic (1). 2 of the submissions do not count toward it. Last evaluated 2026-03-19.

Conditions:
CCM2-related disorder. Also called: CCM2-related condition.
Inborn genetic diseases. Identifiers: MedGen C0950123, MeSH D030342.
Cerebral cavernous malformation 2. Also called: Familial Cerebral Cavernous Malformation 2. Identifiers: Orphanet 221061, MedGen C1864041, MONDO:0011304, OMIM 603284.

Submissions (8):

PreventionGenetics, part of Exact Sciences
Classification: Pathogenic for CCM2-related condition. Last evaluated: 2026-03-19. Review status: criteria provided, single submitter. Criteria: ACMG Guidelines, 2015. Collection method: clinical testing. Allele origin: germline.
Comment: The CCM2 c.30+5_30+6delinsTT variant is predicted to result in an in-frame deletion and insertion. This variant has been reported as a founder variant in individuals of Ashkenazi Jewish ancestry and functional studies have shown that it affects splicing (Gallione et al. 2011. PubMed ID: 21543988). This variant has not been reported in a large population database, indicating this variant is rare. This variant has been interpreted as pathogenic by multiple submitters in ClinVar (ClinVar ID: 193463). Based on this evidence, we interpret this variant as pathogenic.

Ambry Genetics
Classification: Pathogenic for Inborn genetic diseases. Last evaluated: 2026-02-03. Review status: criteria provided, single submitter. Criteria: Ambry Variant Classification Scheme 2023. Collection method: clinical testing. Allele origin: germline.
Comment: The c.30+5_30+6delGCinsTT intronic variant begins 5 nucleotides after exon 1 (coding exon 1) the CCM2 gene. This variant consists of a substitution of 2 nucleotides at nucleotide position c.30+5_30+6. The Genome Aggregation Database (gnomAD) data for this variant is unreliable due to technical and/or biological issues; therefore, population frequency estimates were not considered.This variant was not reported in population-based cohorts in the Genome Aggregation Database (gnomAD). This variant was reported in individual(s) with features consistent with CCM2-related cerebral cavernous malformations (Gallione, 2011; Riant, 2013; Khan, 2021; Ambry internal data, external communication). This nucleotide position is not well conserved in available vertebrate species. In silico splice site analysis predicts that this alteration will not have any significant effect on splicing. Based on the available evidence, this alteration is classified as pathogenic.

Labcorp Genetics (formerly Invitae), Labcorp
Classification: Pathogenic for Cerebral cavernous malformation 2. Last evaluated: 2025-12-23. Review status: criteria provided, single submitter. Criteria: Invitae Variant Classification Sherloc (09022015). Collection method: clinical testing. Allele origin: germline.
Comment: This sequence change falls in intron 1 of the CCM2 gene. It does not directly change the encoded amino acid sequence of the CCM2 protein. RNA analysis indicates that this variant induces altered splicing and may result in an absent or altered protein product. Information on the frequency of this variant in the gnomAD database is not available, as this variant may be reported differently in the database. This variant has been observed in individual(s) with clinical features of cerebral cavernous malformations (PMID: 21543988, 23595507; internal data). ClinVar contains an entry for this variant (Variation ID: 193463). Variants that disrupt the consensus splice site are a relatively common cause of aberrant splicing (PMID: 17576681, 9536098). Studies have shown that this variant results in activation of a cryptic splice site, and produces a non-functional protein and/or introduces a premature termination codon (PMID: 21543988). For these reasons, this variant has been classified as Pathogenic.

GeneDx
Classification: Pathogenic. Last evaluated: 2025-08-11. Review status: criteria provided, single submitter. Criteria: GeneDx Variant Classification Process June 2021. Collection method: clinical testing. Allele origin: germline. Affected: yes.
Comment: Non-canonical splice site variant demonstrated to result in loss-of-function (PMID: 21543988, 23595507); This variant is associated with the following publications: (PMID: 23595507, 33729445, 21543988, RicciC2021[Article])

Athena Diagnostics
Classification: Likely pathogenic. Last evaluated: 2025-01-28. Review status: criteria provided, single submitter. Criteria: Athena Diagnostics Criteria. Collection method: clinical testing. Allele origin: unknown.
Comment: The frequency of this variant in the general population is consistent with pathogenicity. This variant is a common founder originating from the Ashkenazi Jewish population (PMID: 21543988). This variant has been identified in multiple unrelated individuals with clinical features associated with this gene and shows apparent enrichment within our internal patient population than in the general population. Assessment of experimental evidence suggests this variant results in abnormal RNA splicing (PMID: 21543988, 23595507).

Eurofins Ntd Llc (ga)
Classification: Pathogenic. Last evaluated: 2015-03-11. Review status: criteria provided, single submitter. Criteria: EGL Classification Definitions 2015. Collection method: clinical testing. Allele origin: germline. Observed: 1 variant allele, 1 heterozygote.

OMIM
Classification: Pathogenic for CEREBRAL CAVERNOUS MALFORMATIONS 2. Last evaluated: 2011-07-01. Review status: no assertion criteria provided. Collection method: literature only. Allele origin: germline. Not counted in ClinVar's aggregate classification.

GeneReviews
No classification provided. Condition: Cerebral cavernous malformation 2. Review status: no classification provided. Collection method: literature only. Allele origin: germline. Affected: yes. Not counted in ClinVar's aggregate classification.

Literature cited by the submitters: PubMed 21543988 (cited by 5 submitters); PubMed 23595507 (cited by 4 submitters); PubMed 33729445 (cited by Ambry Genetics and Athena Diagnostics); PubMed 17576681 (cited by Labcorp Genetics (formerly Invitae), Labcorp); PubMed 9536098 (cited by Labcorp Genetics (formerly Invitae), Labcorp); NCBI Bookshelf NBK1293 (cited by GeneReviews).